The following is an entry in ClinVar:

NM_016148.5(SHANK1):c.2955G>C (p.Lys985Asn)

Gene: SHANK1 (SH3 and multiple ankyrin repeat domains 1; minus strand). Cytogenetic location: 19q13.33.
Variant type: single nucleotide variant.
Coding change: c.2955G>C on transcript NM_016148.5 (MANE Select); coding-DNA position 2955, G replaced by C.
Protein change: p.Lys985Asn; replaces lysine 985 with asparagine.
Molecular consequence: missense variant.
Genome position (GRCh38, 1-based): chr19:50,669,005, C>G on the plus strand (G>C on the coding strand, the complement: SHANK1 is on the minus strand). VCF-style: chr19-50669005-C-G. GRCh37 (hg19) VCF-style: chr19-51172262-C-G.
Other names: short protein forms K985N.
Identifiers: ClinVar variation 4527139 (VCV004527139.1).
Genomic context (GRCh38, chr19:50,669,005, plus strand): 5'-GTGGTGGTGGTGGGGCGGGTGGTGGTGGGCCGGGGGCAGGGGCCCACTGTGGTACAGGCT[C>G]TTCTCGCGGCTCCCCACGCGAGTGTCGGGAGGGGAGGGCCCGTCAAAGGATGCAGGGGAG-3'
Protein context (NP_057232.2, residues 975-995): PPDTRVGSRE[Lys985Asn]SLYHSGPLPP

ClinVar aggregate classification (germline): Uncertain significance (1 of 4 stars; one submission).

Submission:

GeneDx
Classification: Uncertain significance. Last evaluated: 2025-04-22. Review status: criteria provided, single submitter. Criteria: GeneDx Variant Classification Process June 2021. Collection method: clinical testing. Allele origin: germline. Affected: yes.
Comment: Not observed at significant frequency in large population cohorts (gnomAD); In silico analysis indicates that this missense variant does not alter protein structure/function; Has not been previously published as pathogenic or benign to our knowledge